The following is an entry in ClinVar:

NM_000535.7(PMS2):c.904-20A>G

Gene: PMS2 (PMS1 homolog 2, mismatch repair system component; minus strand). Cytogenetic location: 7p22.1.
Variant type: single nucleotide variant.
Coding change: c.904-20A>G on transcript NM_000535.7 (MANE Select); 20 bases into the intron before coding-DNA position 904, A replaced by G.
Molecular consequence: intron variant.
Genome position (GRCh38, 1-based): chr7:5,992,077, T>C on the plus strand (A>G on the coding strand, the complement: PMS2 is on the minus strand). VCF-style: chr7-5992077-T-C. GRCh37 (hg19) VCF-style: chr7-6031708-T-C.
Other names: c.586-20A>G (NM_001322008.2, NM_001322007.2); c.499-20A>G (NM_001322010.2, NM_001322004.2, NM_001322003.2 and 2 more transcripts); c.331-20A>G (NM_001322013.2); c.-30-20A>G (NM_001322012.2, NM_001322011.2); c.595-20A>G (NM_001322015.2); c.904-20A>G (NM_001322006.2, NM_001322014.2).
Identifiers: ClinVar variation 383049 (VCV000383049.12), dbSNP rs375114786, ClinGen allele CA052380.

ClinVar aggregate classification (germline): Likely benign. Review status: criteria provided, multiple submitters, no conflicts (2 of 4 stars). 4 submissions from 4 submitters: Likely benign (4). Last evaluated 2025-12-03.

Conditions:
Hereditary nonpolyposis colorectal neoplasms. Identifiers: MedGen C0009405, MeSH D003123.
Hereditary cancer-predisposing syndrome. Also called: Hereditary Cancer Syndrome; Hereditary neoplastic syndrome; Neoplastic Syndromes, Hereditary; Tumor predisposition. Identifiers: Orphanet 140162, MedGen C0027672, MeSH D009386, MONDO:0015356.
Lynch syndrome 4 (LYNCH4). Also called: Colorectal cancer, hereditary nonpolyposis, type 4; Hereditary non-polyposis colorectal cancer, type 4. Identifiers: Orphanet 144, MedGen C1838333, MONDO:0013699, OMIM 614337. Disease mechanism: loss of function.

Allele frequency attached by ClinVar (database versions not stated): ExAC 0.00001; gnomAD exomes 0.00001 and 0.00002; TOPMed 0.00001; gnomAD 0.00003; ESP Exome Variant Server 0.00008.

Submissions (4):

Labcorp Genetics (formerly Invitae), Labcorp
Classification: Likely benign for Hereditary nonpolyposis colorectal neoplasms. Last evaluated: 2025-12-03. Review status: criteria provided, single submitter. Criteria: Invitae Variant Classification Sherloc (09022015). Collection method: clinical testing. Allele origin: germline.

Myriad Genetics, Inc.
Classification: Likely benign for Lynch syndrome 4. Last evaluated: 2025-01-28. Review status: criteria provided, single submitter. Criteria: Myriad Autosomal Dominant, Autosomal Recessive and X-Linked Classification Criteria (2023). Collection method: clinical testing. Allele origin: unknown.
Comment: This variant is considered likely benign. This variant is intronic and is not expected to impact mRNA splicing.

GeneDx
Classification: Likely benign. Last evaluated: 2017-09-22. Review status: criteria provided, single submitter. Criteria: GeneDx Variant Classification (06012015). Collection method: clinical testing. Allele origin: germline. Affected: yes.
Comment: This variant is considered likely benign or benign based on one or more of the following criteria: it is a conservative change, it occurs at a poorly conserved position in the protein, it is predicted to be benign by multiple in silico algorithms, and/or has population frequency not consistent with disease.

Color Diagnostics, LLC DBA Color Health
Classification: Likely benign for Hereditary cancer-predisposing syndrome. Last evaluated: 2017-01-09. Review status: criteria provided, single submitter. Criteria: ACMG Guidelines, 2015. Collection method: clinical testing. Allele origin: germline.